The following is an entry in ClinVar:

NM_000038.6(APC):c.5655A>G (p.Lys1885=)

Gene: APC (APC regulator of Wnt signaling pathway; plus strand). Cytogenetic location: 5q22.2.
Variant type: single nucleotide variant.
Coding change: c.5655A>G on transcript NM_000038.6 (MANE Select); coding-DNA position 5655, A replaced by G.
Protein change: p.Lys1885=; no amino-acid change (lysine 1885 retained).
Molecular consequence: synonymous variant. On other transcripts: non-coding transcript variant (2).
Genome position (GRCh38, 1-based): chr5:112,841,249, A>G. VCF-style: chr5-112841249-A-G. GRCh37 (hg19) VCF-style: chr5-112176946-A-G.
Other names: c.5655A>G, p.Lys1885= (NM_001127510.3, NM_001354895.2, NM_001407450.1); c.5601A>G, p.Lys1867= (NM_001127511.3); c.5709A>G, p.Lys1903= (NM_001354896.2, NM_001407447.1, NM_001407448.1 and 1 more transcripts); c.5685A>G, p.Lys1895= (NM_001354897.2); c.5580A>G, p.Lys1860= (NM_001354898.2); c.5571A>G, p.Lys1857= (NM_001354899.2); c.5532A>G, p.Lys1844= (NM_001354900.2); c.5478A>G, p.Lys1826= (NM_001354901.2, NM_001407453.1); and 11 more.
Identifiers: ClinVar variation 3253766 (VCV003253766.1), dbSNP rs2149945704.

ClinVar aggregate classification (germline): Benign (1 of 4 stars; one submission).

Conditions:
Familial adenomatous polyposis 1 (FAP1). Also called: POLYPOSIS, ADENOMATOUS INTESTINAL; FAMILIAL ADENOMATOUS POLYPOSIS 1, ATTENUATED. Identifiers: MedGen C2713442, MONDO:0021056, OMIM 175100. Disease mechanism: loss of function.

Submission:

Myriad Genetics, Inc.
Classification: Benign for Familial adenomatous polyposis 1. Last evaluated: 2024-04-02. Review status: criteria provided, single submitter. Criteria: Myriad Autosomal Dominant, Autosomal Recessive and X-Linked Classification Criteria (2023). Collection method: clinical testing. Allele origin: unknown.
Comment: This variant is considered benign. This variant is a silent/synonymous amino acid change and it is not expected to impact splicing.